The following is an entry in ClinVar:

ClinVar aggregate classification (germline): Uncertain significance (1 of 4 stars; one submission).

Conditions:
Congenital hyperammonemia, type I. Also called: CPS I DEFICIENCY; Carbamoyl phosphate synthetase I deficiency disease; Carbamoyl-phosphate synthase I deficiency; Carbamoyl phosphate synthetase 1 deficiency; Hyperammonemia due to carbamoyl phosphate synthetase 1 deficiency; CPS 1 deficiency. Identifiers: Orphanet 147, MedGen C4082171, MONDO:0009376, OMIM 237300.

Submission:

Myriad Genetics, Inc.
Classification: Uncertain significance for Congenital hyperammonemia, type I. Last evaluated: 2025-08-13. Review status: criteria provided, single submitter. Criteria: Myriad Autosomal Dominant, Autosomal Recessive and X-Linked Classification Criteria (2023). Collection method: clinical testing. Allele origin: unknown.
Comment: NM_001875.4(CPS1):c.711+4_711+6del3ins10 is an intronic variant classified as a variant of uncertain significance in the context of carbamoylphosphate synthetase I deficiency. c.711+4_711+6del3ins10 has not been observed in cases with relevant disease. Relevant functional assessments of this variant are not available in the literature. c.711+4_711+6del3ins10 has not been observed in referenced population frequency databases. In summary, there is insufficient evidence to classify NM_001875.4(CPS1):c.711+4_711+6del3ins10 as pathogenic or benign. Please note: this variant was assessed in the context of healthy population screening.

NM_001875.5(CPS1):c.711+4_711+6delinsTTTGAAATGA

Gene: CPS1 (carbamoyl-phosphate synthase 1; plus strand). Cytogenetic location: 2q34.
Variant type: Indel.
Coding change: c.711+4_711+6delinsTTTGAAATGA on transcript NM_001875.5 (MANE Select); bases 4 to 6 of the intron after coding-DNA position 711, AGT replaced by TTTGAAATGA.
Molecular consequence: intron variant.
Genome position (GRCh38, 1-based): chr2:210,588,151-210,588,153, AGT replaced by TTTGAAATGA. VCF-style: chr2-210588151-AGT-TTTGAAATGA. GRCh37 (hg19) VCF-style: chr2-211452875-AGT-TTTGAAATGA.
Other names: c.711+4_711+6delinsTTTGAAATGA (NM_001369257.1, NM_001122633.3); c.744+4_744+6delinsTTTGAAATGA (NM_001369256.1).
Identifiers: ClinVar variation 5003743 (VCV005003743.1).